The following is an entry in ClinVar:

ClinVar aggregate classification (germline): Uncertain significance. Review status: criteria provided, multiple submitters, no conflicts (2 of 4 stars). 2 submissions from 2 submitters: Uncertain significance (2). Last evaluated 2023-04-30.

Conditions:
Inborn genetic diseases. Identifiers: MedGen C0950123, MeSH D030342.

Allele frequency attached by ClinVar (database versions not stated): gnomAD 0.00005; gnomAD exomes 0.00005; TOPMed 0.00005; ExAC 0.00007; 1000 Genomes Project 30x 0.00016; 1000 Genomes Project 0.00020; ESP Exome Variant Server 0.00023.
gnomAD v4.1: 72 of 1,613,646 alleles (0.0045%); highest among the groups gnomAD compares: Admixed American, 0.0083%; no homozygotes.

Submissions (2):

Labcorp Genetics (formerly Invitae), Labcorp
Classification: Uncertain significance. Last evaluated: 2023-04-30. Review status: criteria provided, single submitter. Criteria: Invitae Variant Classification Sherloc (09022015). Collection method: clinical testing. Allele origin: germline.
Comment: In summary, the available evidence is currently insufficient to determine the role of this variant in disease. Therefore, it has been classified as a Variant of Uncertain Significance. Algorithms developed to predict the effect of missense changes on protein structure and function output the following: SIFT: "Not Available"; PolyPhen-2: "Benign"; Align-GVGD: "Not Available". The asparagine amino acid residue is found in multiple mammalian species, which suggests that this missense change does not adversely affect protein function. This variant has not been reported in the literature in individuals affected with SLC9A3R1-related conditions. This variant is present in population databases (rs192227522, gnomAD 0.009%). This sequence change replaces serine, which is neutral and polar, with asparagine, which is neutral and polar, at codon 280 of the SLC9A3R1 protein (p.Ser280Asn).

Ambry Genetics
Classification: Uncertain significance for Inborn genetic diseases. Last evaluated: 2022-11-21. Review status: criteria provided, single submitter. Criteria: Ambry Variant Classification Scheme 2023. Collection method: clinical testing. Allele origin: germline.

NM_004252.5(NHERF1):c.839G>A (p.Ser280Asn)

Gene: NHERF1 (NHERF family PDZ scaffold protein 1; plus strand). Cytogenetic location: 17q25.1.
Variant type: single nucleotide variant.
Coding change: c.839G>A on transcript NM_004252.5 (MANE Select); coding-DNA position 839, G replaced by A.
Protein change: p.Ser280Asn; replaces serine 280 with asparagine.
Molecular consequence: missense variant.
Genome position (GRCh38, 1-based): chr17:74,768,187, G>A. VCF-style: chr17-74768187-G-A. GRCh37 (hg19) VCF-style: chr17-72764326-G-A.
Other names: c.839G>A (NM_004252.3); short protein forms S280N.
Identifiers: ClinVar variation 2695653 (VCV002695653.4), dbSNP rs192227522, ClinGen allele CA8750790.